The following is an entry in ClinVar:

ClinVar aggregate classification (germline): Uncertain significance. Review status: criteria provided, multiple submitters, no conflicts (2 of 4 stars). 2 submissions from 2 submitters: Uncertain significance (2). Last evaluated 2025-06-14.

Conditions:
Hereditary cancer-predisposing syndrome. Also called: Hereditary neoplastic syndrome; Neoplastic Syndromes, Hereditary; Tumor predisposition; Hereditary Cancer Syndrome. Identifiers: Orphanet 140162, MedGen C0027672, MeSH D009386, MONDO:0015356.

Submissions (2):

Ambry Genetics
Classification: Uncertain significance for Hereditary cancer-predisposing syndrome. Last evaluated: 2025-06-14. Review status: criteria provided, single submitter. Criteria: Ambry Variant Classification Scheme 2023. Collection method: clinical testing. Allele origin: germline.
Comment: The p.A484P variant (also known as c.1450G>C), located in coding exon 9 of the RAD50 gene, results from a G to C substitution at nucleotide position 1450. The alanine at codon 484 is replaced by proline, an amino acid with highly similar properties. This amino acid position is conserved. In addition, this alteration is predicted to be tolerated by in silico analysis. Based on the available evidence, the clinical significance of this variant remains unclear.

Labcorp Genetics (formerly Invitae), Labcorp
Classification: Uncertain significance for Hereditary cancer-predisposing syndrome. Last evaluated: 2021-07-25. Review status: criteria provided, single submitter. Criteria: Invitae Variant Classification Sherloc (09022015). Collection method: clinical testing. Allele origin: germline.
Comment: This variant is not present in population databases (ExAC no frequency). This sequence change replaces alanine with proline at codon 484 of the RAD50 protein (p.Ala484Pro). The alanine residue is moderately conserved and there is a small physicochemical difference between alanine and proline. This variant has not been reported in the literature in individuals affected with RAD50-related conditions. In summary, the available evidence is currently insufficient to determine the role of this variant in disease. Therefore, it has been classified as a Variant of Uncertain Significance. Algorithms developed to predict the effect of missense changes on protein structure and function are either unavailable or do not agree on the potential impact of this missense change (SIFT: "Tolerated"; PolyPhen-2: "Possibly Damaging"; Align-GVGD: "Class C0").

NM_005732.4(RAD50):c.1450G>C (p.Ala484Pro)

Gene: RAD50 (RAD50 double strand break repair protein; plus strand). Cytogenetic location: 5q31.1.
Variant type: single nucleotide variant.
Coding change: c.1450G>C on transcript NM_005732.4 (MANE Select); coding-DNA position 1450, G replaced by C.
Protein change: p.Ala484Pro; replaces alanine 484 with proline.
Molecular consequence: missense variant.
Genome position (GRCh38, 1-based): chr5:132,589,835, G>C. VCF-style: chr5-132589835-G-C. GRCh37 (hg19) VCF-style: chr5-131925527-G-C.
Other names: c.1450G>C (NM_005732.3); short protein forms A484P.
Identifiers: ClinVar variation 1507600 (VCV001507600.7), dbSNP rs2149841597, ClinGen allele CA360945010.